The following is an entry in ClinVar:

ClinVar aggregate classification (germline): Conflicting classifications of pathogenicity. Review status: criteria provided, conflicting classifications (1 of 4 stars). 3 submissions from 3 submitters: Uncertain significance (2); Likely benign (1). Last evaluated 2025-10-18.

Conditions:
Inborn genetic diseases. Identifiers: MedGen C0950123, MeSH D030342.

Allele frequency attached by ClinVar (database versions not stated): gnomAD 0.00008; gnomAD exomes 0.00010 and 0.00015; ExAC 0.00017; TOPMed 0.00017; 1000 Genomes Project 0.00020; 1000 Genomes Project 30x 0.00031.
gnomAD v4.1: 153 of 1,612,620 alleles (0.0095%); highest among the groups gnomAD compares: Admixed American, 0.047%; 1 homozygote.

Submissions (3):

Labcorp Genetics (formerly Invitae), Labcorp
Classification: Likely benign. Last evaluated: 2025-10-18. Review status: criteria provided, single submitter. Criteria: Invitae Variant Classification Sherloc (09022015). Collection method: clinical testing. Allele origin: germline.

Ambry Genetics
Classification: Uncertain significance for Inborn genetic diseases. Last evaluated: 2021-05-27. Review status: criteria provided, single submitter. Criteria: Ambry Variant Classification Scheme 2023. Collection method: clinical testing. Allele origin: germline.
Comment: Unlikely to be causative of brachydactyly type B1 (AD) Based on insufficient or conflicting evidence, the clinical significance of this alteration remains unclear.

Eurofins Ntd Llc (ga)
Classification: Uncertain significance. Last evaluated: 2015-06-11. Review status: criteria provided, single submitter. Criteria: EGL Classification Definitions 2015. Collection method: clinical testing. Allele origin: germline. Observed: 1 variant allele, 1 heterozygote.

NM_004560.4(ROR2):c.1565G>A (p.Arg522Gln)

Gene: ROR2 (receptor tyrosine kinase like orphan receptor 2; minus strand). Cytogenetic location: 9q22.31.
Variant type: single nucleotide variant.
Coding change: c.1565G>A on transcript NM_004560.4 (MANE Select); coding-DNA position 1565, G replaced by A.
Protein change: p.Arg522Gln; replaces arginine 522 with glutamine.
Molecular consequence: missense variant.
Genome position (GRCh38, 1-based): chr9:91,724,929, C>T on the plus strand (G>A on the coding strand, the complement: ROR2 is on the minus strand). VCF-style: chr9-91724929-C-T. GRCh37 (hg19) VCF-style: chr9-94487211-C-T.
Other names: c.1565G>A (NM_004560.3); short protein forms R522Q.
Identifiers: ClinVar variation 281393 (VCV000281393.13), dbSNP rs201986784, ClinGen allele CA5120652.